The following is an entry in ClinVar:

ClinVar aggregate classification (germline): Benign/Likely benign. Review status: criteria provided, multiple submitters, no conflicts (2 of 4 stars). 17 submissions from 16 submitters: Benign (11); Likely benign (4). 2 of the submissions do not count toward it. Last evaluated 2026-02-03.

Conditions:
Hereditary cancer-predisposing syndrome. Also called: Tumor predisposition; Hereditary neoplastic syndrome; Neoplastic Syndromes, Hereditary; Hereditary Cancer Syndrome. Identifiers: Orphanet 140162, MedGen C0027672, MeSH D009386, MONDO:0015356.
Fumarase deficiency (FMRD). Also called: Fumarate Hydratase Deficiency; Fumaric aciduria. Identifiers: Orphanet 24, MedGen C0342770, MONDO:0011730, OMIM 606812.
Hereditary leiomyomatosis and renal cell cancer. Also called: FH tumor predisposition syndrome; LEIOMYOMA, MULTIPLE CUTANEOUS; MULTIPLE CUTANEOUS AND UTERINE LEIOMYOMATA 1, WITH OR WITHOUT RENAL CELL CARCINOMA; Reed syndrome; Multiple cutaneous and uterine leiomyomatosis; Cutaneous leiomyomata with uterine leiomyomata. Identifiers: Orphanet 523, MedGen C1708350, MONDO:0007888, OMIM 150800, HP:0007437. Disease mechanism: loss of function.

Allele frequency attached by ClinVar (database versions not stated): gnomAD exomes 0.00149; ExAC 0.00195; ESP Exome Variant Server 0.00416; gnomAD 0.00560 and 0.00597; 1000 Genomes Project 30x 0.00609; 1000 Genomes Project 0.00619; TOPMed 0.00665.
gnomAD v4.1: 1,614 of 1,547,802 alleles (0.1%); highest among the groups gnomAD compares: African/African-American, 2%; 16 homozygotes.

Submissions (17):

Labcorp Genetics (formerly Invitae), Labcorp
Classification: Benign. Last evaluated: 2026-02-03. Review status: criteria provided, single submitter. Criteria: Invitae Variant Classification Sherloc (09022015). Collection method: clinical testing. Allele origin: germline.

Quest Diagnostics Nichols Institute San Juan Capistrano
Classification: Benign. Last evaluated: 2025-08-11. Review status: criteria provided, single submitter. Criteria: Quest Diagnostics criteria. Collection method: clinical testing. Allele origin: unknown.

Center for Genomic Medicine, Rigshospitalet, Copenhagen University Hospital
Classification: Benign. Last evaluated: 2025-03-04. Review status: criteria provided, single submitter. Criteria: ACMG Guidelines, 2015. Collection method: clinical testing. Allele origin: germline.

Mayo Clinic Laboratories, Mayo Clinic
Classification: Benign. Last evaluated: 2024-11-17. Review status: criteria provided, single submitter. Criteria: ACMG Guidelines, 2015. Collection method: clinical testing. Allele origin: germline. Observed: 5 variant alleles.
Comment: BS1, BS2

Blueprint Genetics
Classification: Likely benign. Last evaluated: 2024-11-06. Review status: criteria provided, single submitter. Criteria: ACMG Guidelines, 2015. Collection method: clinical testing. Allele origin: germline.

Myriad Genetics, Inc.
Classification: Likely benign for Hereditary leiomyomatosis and renal cell cancer. Last evaluated: 2024-10-17. Review status: criteria provided, single submitter. Criteria: Myriad Autosomal Dominant, Autosomal Recessive and X-Linked Classification Criteria (2023). Collection method: clinical testing. Allele origin: unknown.
Comment: This variant is considered likely benign. This variant has been observed at a population frequency that is significantly greater than expected given the associated disease prevalence and penetrance.

ARUP Laboratories, Molecular Genetics and Genomics, ARUP Laboratories
Classification: Likely benign. Last evaluated: 2024-09-14. Review status: criteria provided, single submitter. Criteria: ARUP Molecular Germline Variant Investigation Process 2024. Collection method: clinical testing. Allele origin: germline.

Department of Pathology and Laboratory Medicine, Sinai Health System
Classification: Benign for Hereditary leiomyomatosis and renal cell cancer; Fumarase deficiency. Last evaluated: 2023-11-10. Review status: criteria provided, single submitter. Criteria: ACMG Guidelines, 2015. Collection method: clinical testing. Allele origin: germline. Affected: yes.

KCCC/NGS Laboratory, Kuwait Cancer Control Center
Classification: Benign for Hereditary leiomyomatosis and renal cell cancer. Last evaluated: 2023-07-07. Review status: criteria provided, single submitter. Criteria: ACMG Guidelines, 2015. Collection method: clinical testing. Allele origin: germline. Affected: yes.

Fulgent Genetics
Classification: Likely benign for Hereditary leiomyomatosis and renal cell cancer; Fumarase deficiency. Last evaluated: 2021-10-14. Review status: criteria provided, single submitter. Criteria: ACMG Guidelines, 2015. Collection method: clinical testing. Allele origin: unknown.

Women's Health and Genetics/Laboratory Corporation of America, LabCorp
Classification: Benign. Last evaluated: 2018-11-19. Review status: criteria provided, single submitter. Criteria: LabCorp Variant Classification Summary - May 2015. Collection method: clinical testing. Allele origin: germline.
Comment: Variant summary: FH c.53C>T (p.Pro18Leu) results in a non-conservative amino acid change in the encoded protein sequence. Three of five in-silico tools predict a damaging effect of the variant on protein function. The variant allele was found at a frequency of 0.0021 in 171230 control chromosomes, predominantly at a frequency of 0.021 within the African subpopulation in the gnomAD database, including 2 homozygotes. The observed variant frequency within African control individuals in the gnomAD database is approximately 8400-folds higher than the estimated maximal expected allele frequency for a pathogenic variant in FH causing Hereditary Leiomyomatosis and Renal Cell Cancer phenotype (2.5e-06), strongly suggesting that the variant is a benign polymorphism found primarily in populations of African origin. To our knowledge, no occurrence of c.53C>T in individuals affected with Hereditary Leiomyomatosis and Renal Cell Cancer and no experimental evidence demonstrating its impact on protein function have been reported. Three ClinVar submissions from clinical diagnostic laboratories (evaluation after 2014) cite the variant as likely benign/benign. Based on the evidence outlined above, the variant was classified as benign.

Illumina Laboratory Services, Illumina
Classification: Benign for Fumarase deficiency. Last evaluated: 2018-01-13. Review status: criteria provided, single submitter. Criteria: ICSL Variant Classification Criteria 13 December 2019. Collection method: clinical testing. Allele origin: germline.
Comment: This variant was observed in the ICSL laboratory as part of a predisposition screen in an ostensibly healthy population. It had not been previously curated by ICSL or reported in the Human Gene Mutation Database (HGMD: prior to June 1st, 2018), and was therefore a candidate for classification through an automated scoring system. Utilizing variant allele frequency, disease prevalence and penetrance estimates, and inheritance mode, an automated score was calculated to assess if this variant is too frequent to cause the disease. Based on the score and internal cut-off values, a variant classified as benign is not then subjected to further curation. The score for this variant resulted in a classification of benign for this disease.

Illumina Laboratory Services, Illumina
Classification: Benign for Hereditary leiomyomatosis and renal cell cancer. Last evaluated: 2018-01-13. Review status: criteria provided, single submitter. Criteria: ICSL Variant Classification Criteria 13 December 2019. Collection method: clinical testing. Allele origin: germline.
Comment: the same text as in the submission from Illumina Laboratory Services, Illumina above.

Ambry Genetics
Classification: Benign for Hereditary cancer-predisposing syndrome. Last evaluated: 2015-01-22. Review status: criteria provided, single submitter. Criteria: Ambry Variant Classification Scheme 2023. Collection method: clinical testing. Allele origin: germline.

GeneDx
Classification: Benign. Last evaluated: 2013-12-26. Review status: criteria provided, single submitter. Criteria: GeneDx Variant Classification (06012015). Collection method: clinical testing. Allele origin: germline. Affected: yes.
Comment: This variant is considered likely benign or benign based on one or more of the following criteria: it is a conservative change, it occurs at a poorly conserved position in the protein, it is predicted to be benign by multiple in silico algorithms, and/or has population frequency not consistent with disease.

Natera, Inc.
Classification: Likely benign for Fumarase Deficiency. Last evaluated: 2019-12-04. Review status: no assertion criteria provided. Collection method: clinical testing. Allele origin: germline. Not counted in ClinVar's aggregate classification.

ITMI
No classification provided. Condition: AllHighlyPenetrant. Last evaluated: 2013-09-19. Review status: no classification provided. Collection method: reference population. Allele origin: germline. Not counted in ClinVar's aggregate classification.
Comment: Please see associated publication for description of ethnicities

Literature cited by the submitters: PubMed 24728327 (cited by Quest Diagnostics Nichols Institute San Juan Capistrano and ITMI); PubMed 26113603 (cited by Quest Diagnostics Nichols Institute San Juan Capistrano).

NM_000143.4(FH):c.53C>T (p.Pro18Leu)

Gene: FH (fumarate hydratase; minus strand). Cytogenetic location: 1q43.
Variant type: single nucleotide variant.
Coding change: c.53C>T on transcript NM_000143.4 (MANE Select); coding-DNA position 53, C replaced by T.
Protein change: p.Pro18Leu; replaces proline 18 with leucine.
Molecular consequence: missense variant.
Genome position (GRCh38, 1-based): chr1:241,519,670, G>A on the plus strand (C>T on the coding strand, the complement: FH is on the minus strand). VCF-style: chr1-241519670-G-A. GRCh37 (hg19) VCF-style: chr1-241682970-G-A.
Other names: p.P18L:CCA>CTA; short protein forms P18L.
Identifiers: ClinVar variation 134413 (VCV000134413.44), dbSNP rs201887750, ClinGen allele CA289157.